The following is an entry in ClinVar:

NM_001291303.3(FAT4):c.13858G>A (p.Glu4620Lys)

Gene: FAT4 (FAT atypical cadherin 4; plus strand). Cytogenetic location: 4q28.1.
Variant type: single nucleotide variant.
Coding change: c.13858G>A on transcript NM_001291303.3 (MANE Select); coding-DNA position 13858, G replaced by A.
Protein change: p.Glu4620Lys; replaces glutamic acid 4620 with lysine.
Molecular consequence: missense variant.
Genome position (GRCh38, 1-based): chr4:125,490,674, G>A. VCF-style: chr4-125490674-G-A. GRCh37 (hg19) VCF-style: chr4-126411829-G-A.
Other names: c.13855G>A, p.Glu4619Lys (NM_001291285.3, NM_001438397.1); c.8629G>A, p.Glu2877Lys (NM_001437895.1); c.13858G>A, p.Glu4620Lys (NM_001438396.1); c.13852G>A, p.Glu4618Lys (NM_024582.6); short protein forms E2877K, E4619K, E4618K, E4620K.
Identifiers: ClinVar variation 4974667 (VCV004974667.1).

ClinVar aggregate classification (germline): Uncertain significance (1 of 4 stars; one submission).

Conditions:
Hennekam lymphangiectasia-lymphedema syndrome 2 (HKLLS2). Identifiers: Orphanet 2136, MedGen C4014939, MONDO:0014454, OMIM 616006.
Van Maldergem syndrome 2 (VMLDS2). Identifiers: Orphanet 314679, MedGen C3809875, MONDO:0014242, OMIM 615546.

Submission:

Clinical Genomics Laboratory, Washington University in St. Louis
Classification: Uncertain significance for Van Maldergem syndrome 2; Hennekam lymphangiectasia-lymphedema syndrome 2. Last evaluated: 2025-10-22. Review status: criteria provided, single submitter. Criteria: ACMG Guidelines, 2015. Collection method: clinical testing. Allele origin: germline.
Comment: A FAT4 c.13858G>A (p.Glu4620Lys) variant was identified at a near heterozygous allelic fraction of 48.2%, a frequency which may be consistent with it being of germline origin. This variant, to our knowledge, has not been reported in the medical literature or the ClinVar database. This variant is absent from the general population (gnomAD v4.1.0), indicating it is not a common variant. Computational predictors indicate that the variant is damaging, evidence that correlates with impact to FAT4 function. Due to limited information, and based on ACMG/AMP guidelines for variant interpretation (Richards S et al., PMID: 25741868), the clinical significance of this variant is uncertain at this time.

Literature cited by the submitters: uncertain.